The following is an entry in ClinVar:

ClinVar aggregate classification (germline): Conflicting classifications of pathogenicity. Review status: criteria provided, conflicting classifications (1 of 4 stars). 4 submissions from 4 submitters: Likely pathogenic (2); Uncertain significance (2). Last evaluated 2025-05-18.

Conditions:
Autosomal dominant Alport syndrome (ATS3A). Also called: Alport syndrome dominant type; Renal failure and sensorineural hearing loss; ALPORT SYNDROME 3A, AUTOSOMAL DOMINANT. Identifiers: Orphanet 63, Orphanet 88918, MedGen C5882663, MONDO:0007086, OMIM 104200.
Hematuria, benign familial, 2 (BFH2). Identifiers: MedGen C5830421, MONDO:0958186, OMIM 620320.
Alport syndrome 3b, autosomal recessive. Identifiers: MedGen C5882699, MONDO:0957811, OMIM 620536.

Submissions (4):

Labcorp Genetics (formerly Invitae), Labcorp
Classification: Uncertain significance. Last evaluated: 2025-05-18. Review status: criteria provided, single submitter. Criteria: Invitae Variant Classification Sherloc (09022015). Collection method: clinical testing. Allele origin: germline.
Comment: This sequence change replaces glycine, which is neutral and non-polar, with serine, which is neutral and polar, at codon 318 of the COL4A3 protein (p.Gly318Ser). This variant is not present in population databases (gnomAD no frequency). This variant has not been reported in the literature in individuals affected with COL4A3-related conditions. ClinVar contains an entry for this variant (Variation ID: 3336219). Invitae Evidence Modeling of protein sequence and biophysical properties (such as structural, functional, and spatial information, amino acid conservation, physicochemical variation, residue mobility, and thermodynamic stability) has been performed for this missense variant. However, the output from this modeling did not meet the statistical confidence thresholds required to predict the impact of this variant on COL4A3 protein function. In summary, the available evidence is currently insufficient to determine the role of this variant in disease. Therefore, it has been classified as a Variant of Uncertain Significance.

Fulgent Genetics
Classification: Likely pathogenic for Autosomal dominant Alport syndrome; Hematuria, benign familial, 2; Alport syndrome 3b, autosomal recessive. Last evaluated: 2024-05-05. Review status: criteria provided, single submitter. Criteria: ACMG Guidelines, 2015. Collection method: clinical testing. Allele origin: germline.

Women's Health and Genetics/Laboratory Corporation of America, LabCorp
Classification: Uncertain significance. Last evaluated: 2024-05-03. Review status: criteria provided, single submitter. Criteria: LabCorp Variant Classification Summary - May 2015. Collection method: clinical testing. Allele origin: germline.
Comment: Variant summary: COL4A3 c.952G>A (p.Gly318Ser) results in a non-conservative amino acid change in the encoded protein sequence. Five of five in-silico tools predict a damaging effect of the variant on protein function. The variant was absent in 249354 control chromosomes. The available data on variant occurrences in the general population are insufficient to allow any conclusion about variant significance. To our knowledge, no occurrence of c.952G>A in individuals affected with Alport Syndrome, Autosomal Recessive and no experimental evidence demonstrating its impact on protein function have been reported. No submitters have cited clinical-significance assessments for this variant to ClinVar. Based on the evidence outlined above, the variant was classified as uncertain significance.

Clinical Genetics Service, Universitary Hospital 12 de Octubre
Classification: Likely pathogenic for Autosomal dominant Alport syndrome. Review status: criteria provided, single submitter. Criteria: ACMG Guidelines, 2015. Collection method: clinical testing. Allele origin: germline. Affected: yes.

NM_000091.5(COL4A3):c.952G>A (p.Gly318Ser)

Genes: COL4A3 (collagen type IV alpha 3 chain; plus strand), MFF-DT (MFF divergent transcript; minus strand). Cytogenetic location: 2q36.3.
Variant type: single nucleotide variant.
Coding change: c.952G>A on transcript NM_000091.5 (MANE Select); coding-DNA position 952, G replaced by A.
Protein change: p.Gly318Ser; replaces glycine 318 with serine.
Molecular consequence: missense variant.
Genome position (GRCh38, 1-based): chr2:227,256,361, G>A. VCF-style: chr2-227256361-G-A. GRCh37 (hg19) VCF-style: chr2-228121077-G-A.
Other names: short protein forms G318S.
Identifiers: ClinVar variation 3336219 (VCV003336219.4).
Genomic context (GRCh38, chr2:227,256,361, plus strand): 5'-TCCTGTGTCTTCTGACCCATTTCTTTTTGTTCTTTTCTTTAGGGAGTCAAGGGCAACAGG[G>A]GTTTCCCTGGGTTAATGGGTGAAGATGGCATTAAGGTAATCCTCTCCCTAATAGCCTATT-3'
Protein context (NP_000082.2, residues 308-328): PGSEGVKGNR[Gly318Ser]FPGLMGEDGI